The following is an entry in ClinVar:

ClinVar aggregate classification (germline): Uncertain significance (1 of 4 stars; one submission).

Submission:

GeneDx
Classification: Uncertain significance. Last evaluated: 2022-09-22. Review status: criteria provided, single submitter. Criteria: GeneDx Variant Classification Process June 2021. Collection method: clinical testing. Allele origin: germline. Affected: yes.
Comment: Not observed at significant frequency in large population cohorts (gnomAD); In silico analysis supports that this missense variant has a deleterious effect on protein structure/function; Has not been previously published as pathogenic or benign to our knowledge; Variants in candidate genes are classified as variants of uncertain significance in accordance with ACMG guidelines (Richards et al., 2015)

NM_012086.5(GTF3C3):c.728C>G (p.Ala243Gly)

Gene: GTF3C3 (general transcription factor IIIC subunit 3; minus strand). Cytogenetic location: 2q33.1.
Variant type: single nucleotide variant.
Coding change: c.728C>G on transcript NM_012086.5 (MANE Select); coding-DNA position 728, C replaced by G.
Protein change: p.Ala243Gly; replaces alanine 243 with glycine.
Molecular consequence: missense variant.
Genome position (GRCh38, 1-based): chr2:196,789,369, G>C on the plus strand (C>G on the coding strand, the complement: GTF3C3 is on the minus strand). VCF-style: chr2-196789369-G-C. GRCh37 (hg19) VCF-style: chr2-197654093-G-C.
Other names: c.728C>G, p.Ala243Gly (NM_001206774.2); short protein forms A243G.
Identifiers: ClinVar variation 4055795 (VCV004055795.1).